The following is an entry in ClinVar:

NM_001267550.2(TTN):c.24820G>A (p.Glu8274Lys)

Gene: TTN (titin; minus strand). Cytogenetic location: 2q31.2.
Variant type: single nucleotide variant.
Coding change: c.24820G>A on transcript NM_001267550.2 (MANE Select); coding-DNA position 24820, G replaced by A.
Protein change: p.Glu8274Lys; replaces glutamic acid 8274 with lysine.
Molecular consequence: missense variant. On other transcripts: intron variant (3).
Genome position (GRCh38, 1-based): chr2:178,718,186, C>T on the plus strand (G>A on the coding strand, the complement: TTN is on the minus strand). VCF-style: chr2-178718186-C-T. GRCh37 (hg19) VCF-style: chr2-179582913-C-T.
Other names: p.E7030K:GAA>AAA; c.23869G>A, p.Glu7957Lys (NM_001256850.1); c.21088G>A, p.Glu7030Lys (NM_133378.4); c.13282+19896G>A (NM_003319.4); c.13858+19896G>A (NM_133437.4); c.13657+19896G>A (NM_133432.3); short protein forms E8274K, E7030K, E7957K.
Identifiers: ClinVar variation 46741 (VCV000046741.82), dbSNP rs72648981, ClinGen allele CA139087.
Genomic context (GRCh38, chr2:178,718,186, plus strand): 5'-TAATTTCTGGAGTTCCATCCACTTTACACTGTAAAGTTGCAGGTTCTCCAATGACTGCTT[C>T]CACATGTTCCAGAGGTTCAATAAAGTACGGTGGTTCTATGGTACAAAGGATGGTAGTCAG-3'
Protein context (NP_001254479.2, residues 8264-8284): PYFIEPLEHV[Glu8274Lys]AVIGEPATLQ

ClinVar aggregate classification (germline): Conflicting classifications of pathogenicity. Review status: criteria provided, conflicting classifications (1 of 4 stars). 23 submissions from 19 submitters: Uncertain significance (4); Benign (7); Likely benign (6). 6 of the submissions do not count toward it. Last evaluated 2026-09-01.

Conditions:
Dilated cardiomyopathy 1G (CMD1G). Identifiers: Orphanet 154, MedGen C1858763, MONDO:0011400, OMIM 604145.
Autosomal recessive limb-girdle muscular dystrophy type 2J (LGMDR10). Also called: MUSCULAR DYSTROPHY, LIMB-GIRDLE, AUTOSOMAL RECESSIVE 10; Limb-girdle muscular dystrophy, type 2J. Identifiers: Orphanet 140922, MedGen C1837342, MONDO:0012127, OMIM 608807.
TTN-related disorder. Also called: TTN-related disorders; TTN-related condition; TTN-related disease.
Early-onset myopathy with fatal cardiomyopathy (CMYO5). Also called: CONGENITAL MYOPATHY 5 WITH CARDIOMYOPATHY; Salih Myopathy. Identifiers: Orphanet 289377, MedGen C2673677, MONDO:0012714, OMIM 611705. Disease mechanism: loss of function.
Hypertrophic cardiomyopathy 9. Also called: Familial hypertrophic cardiomyopathy 9. Identifiers: MedGen C1861065, MONDO:0013412, OMIM 613765.
Tibial muscular dystrophy (TMD). Also called: Udd Distal Myopathy – Tibial Muscular Dystrophy; Tibial muscular dystrophy, tardive; UDD MYOPATHY. Identifiers: Orphanet 609, MedGen C1838244, MONDO:0010870, OMIM 600334.
Myopathy, myofibrillar, 9, with early respiratory failure (MFM9). Also called: Myopathy, distal, with early respiratory failure, autosomal dominant; Hereditary myopathy with early respiratory failure; MYOPATHY, PROXIMAL, WITH EARLY RESPIRATORY MUSCLE INVOLVEMENT; EDSTROM MYOPATHY. Identifiers: Orphanet 178464, Orphanet 34521, MedGen C1863599, MONDO:0011362, OMIM 603689.
Cardiomyopathy (CMYO). Also called: Cardiomyopathies. Identifiers: Orphanet 167848, MedGen C0878544, MONDO:0004994, HP:0001638. Inheritance: Various modes of inheritance.

Allele frequency attached by ClinVar (database versions not stated): 1000 Genomes Project 30x 0.00062; TOPMed 0.00192; gnomAD 0.00235 and 0.00245; gnomAD exomes 0.00309 and 0.00231; ExAC 0.00198; ESP Exome Variant Server 0.00264; 1000 Genomes Project 0.00060.
gnomAD v4.1: 4,780 of 1,604,162 alleles (0.3%); highest among the groups gnomAD compares: Non-Finnish European, 0.37%; 10 homozygotes.

Submissions 1 to 15 of 24:

CeGaT Center for Human Genetics Tuebingen
Classification: Likely benign. Last evaluated: 2026-09-01. Review status: criteria provided, single submitter. Criteria: CeGaT Center For Human Genetics Tuebingen Variant Classification Criteria Version 2. Collection method: clinical testing. Allele origin: germline. Affected: yes. Observed: 28 variant alleles.
Comment: TTN: BP4, BS2

Labcorp Genetics (formerly Invitae), Labcorp
Classification: Likely benign for Dilated cardiomyopathy 1G; Autosomal recessive limb-girdle muscular dystrophy type 2J. Last evaluated: 2026-02-03. Review status: criteria provided, single submitter. Criteria: Invitae Variant Classification Sherloc (09022015). Collection method: clinical testing. Allele origin: germline.

Mayo Clinic Laboratories, Mayo Clinic
Classification: Benign. Last evaluated: 2025-05-06. Review status: criteria provided, single submitter. Criteria: ACMG Guidelines, 2015. Collection method: clinical testing. Allele origin: germline. Observed: 12 variant alleles.
Comment: BS1, BS2, BP4

Molecular Diagnostic Laboratory for Inherited Cardiovascular Disease, Montreal Heart Institute
Classification: Benign. Last evaluated: 2025-04-09. Review status: criteria provided, single submitter. Criteria: ACMG Guidelines, 2015. Collection method: clinical testing. Allele origin: germline. Affected: no.

Blueprint Genetics
Classification: Likely benign. Last evaluated: 2024-11-06. Review status: criteria provided, single submitter. Criteria: ACMG Guidelines, 2015. Collection method: clinical testing. Allele origin: germline.

ARUP Laboratories, Molecular Genetics and Genomics, ARUP Laboratories
Classification: Uncertain significance. Last evaluated: 2023-11-09. Review status: criteria provided, single submitter. Criteria: ARUP Molecular Germline Variant Investigation Process 2024. Collection method: clinical testing. Allele origin: germline.
Comment: The TTN c.24820G>A; p.Glu8274Lys variant (rs72648981; ClinVar Variation ID: 46741) is rare in the general population (<1% allele frequency in the Genome Aggregation Database) and has not been reported in the medical literature in association with dilated cardiomyopathy (DCM) or other TTN-related disease. The clinical relevance of rare missense variants in this gene, which are identified on average once per individual sequenced in affected populations (Herman 2012), is not well understood. Yet, evidence suggests that the vast majority of such missense variants do not contribute to the clinical outcome of DCM (Begay 2015). Thus, the clinical significance of the p.Glu8274Lys variant cannot be determined with certainty. References: Begay RL et al. Role of Titin Missense Variants in Dilated Cardiomyopathy. J Am Heart Assoc. 2015 Nov 13;4(11). Herman DS et al. Truncations of titin causing dilated cardiomyopathy. N Engl J Med. 2012 Feb 16;366(7):619-28. Linke and Hamdani. Gigantic business: titin properties and function through thick and thin. Circ Res 2014; 114(6): 1052-1068.

GeneDx
Classification: Benign. Last evaluated: 2020-09-29. Review status: criteria provided, single submitter. Criteria: GeneDx Variant Classification Process June 2021. Collection method: clinical testing. Allele origin: germline. Affected: yes.

Women's Health and Genetics/Laboratory Corporation of America, LabCorp
Classification: Benign. Last evaluated: 2019-10-07. Review status: criteria provided, single submitter. Criteria: LabCorp Variant Classification Summary - May 2015. Collection method: clinical testing. Allele origin: germline.
Comment: Variant summary: TTN c.21088G>A (p.Glu7030Lys) results in a conservative amino acid change located in the I-band of the encoded protein sequence. Three of four in-silico tools predict a benign effect of the variant on protein function. The variant allele was found at a frequency of 0.0023 in 241912 control chromosomes. The observed variant frequency is approximately 3.69 fold of the estimated maximal expected allele frequency for a pathogenic variant in TTN causing Cardiomyopathy phenotype (0.00063), strongly suggesting that the variant is benign. c.21088G>A has been reported in the literature in individuals affected with Cardiomyopathy (Lopes_2013). This report does not provide unequivocal conclusions about association of the variant with Cardiomyopathy. Co-occurrences with other pathogenic variants have been reported (MYBPC3 c.1504C>T/p.R502W; MYH7 c.2539A>G/p.K847E), providing supporting evidence for a benign role. Four clinical diagnostic laboratories have submitted clinical-significance assessments for this variant to ClinVar after 2014 without evidence for independent evaluation. All laboratories classified the variant as likely benign. Based on the evidence outlined above, the variant was classified as benign.

CHEO Genetics Diagnostic Laboratory, Children's Hospital of Eastern Ontario
Classification: Benign for Cardiomyopathy. Last evaluated: 2018-02-01. Review status: criteria provided, single submitter. Criteria: ACMG Guidelines, 2015. Collection method: clinical testing. Allele origin: germline.

Illumina Laboratory Services, Illumina
Classification: Uncertain significance for Dilated cardiomyopathy 1G. Last evaluated: 2018-01-13. Review status: criteria provided, single submitter. Criteria: ICSL Variant Classification Criteria 13 December 2019. Collection method: clinical testing. Allele origin: germline.

Illumina Laboratory Services, Illumina
Classification: Benign for Myopathy, myofibrillar, 9, with early respiratory failure. Last evaluated: 2018-01-13. Review status: criteria provided, single submitter. Criteria: ICSL Variant Classification Criteria 13 December 2019. Collection method: clinical testing. Allele origin: germline.
Comment: This variant was observed in the ICSL laboratory as part of a predisposition screen in an ostensibly healthy population. It had not been previously curated by ICSL or reported in the Human Gene Mutation Database (HGMD: prior to June 1st, 2018), and was therefore a candidate for classification through an automated scoring system. Utilizing variant allele frequency, disease prevalence and penetrance estimates, and inheritance mode, an automated score was calculated to assess if this variant is too frequent to cause the disease. Based on the score and internal cut-off values, a variant classified as benign is not then subjected to further curation. The score for this variant resulted in a classification of benign for this disease.

Illumina Laboratory Services, Illumina
Classification: Benign for Tibial muscular dystrophy. Last evaluated: 2018-01-13. Review status: criteria provided, single submitter. Criteria: ICSL Variant Classification Criteria 13 December 2019. Collection method: clinical testing. Allele origin: germline.
Comment: the same text as in the submission from Illumina Laboratory Services, Illumina above.

Illumina Laboratory Services, Illumina
Classification: Uncertain significance for Autosomal recessive limb-girdle muscular dystrophy type 2J. Last evaluated: 2018-01-13. Review status: criteria provided, single submitter. Criteria: ICSL Variant Classification Criteria 13 December 2019. Collection method: clinical testing. Allele origin: germline.

Illumina Laboratory Services, Illumina
Classification: Uncertain significance for Early-onset myopathy with fatal cardiomyopathy. Last evaluated: 2018-01-13. Review status: criteria provided, single submitter. Criteria: ICSL Variant Classification Criteria 13 December 2019. Collection method: clinical testing. Allele origin: germline.

Eurofins Ntd Llc (ga)
Classification: Likely benign. Last evaluated: 2015-11-12. Review status: criteria provided, single submitter. Criteria: EGL Classification Definitions 2015. Collection method: clinical testing. Allele origin: germline. Observed: 4 variant alleles, 4 heterozygotes.